The following is an entry in ClinVar:

ClinVar aggregate classification (germline): Conflicting classifications of pathogenicity. Review status: criteria provided, conflicting classifications (1 of 4 stars). 10 submissions from 6 submitters: Uncertain significance (3); Benign (1); Likely benign (6). Last evaluated 2026-01-13.

Conditions:
Autosomal recessive limb-girdle muscular dystrophy type 2J (LGMDR10). Also called: Limb-girdle muscular dystrophy, type 2J; MUSCULAR DYSTROPHY, LIMB-GIRDLE, AUTOSOMAL RECESSIVE 10. Identifiers: Orphanet 140922, MedGen C1837342, MONDO:0012127, OMIM 608807.
Dilated cardiomyopathy 1G (CMD1G). Identifiers: Orphanet 154, MedGen C1858763, MONDO:0011400, OMIM 604145.
Early-onset myopathy with fatal cardiomyopathy (CMYO5). Also called: Salih Myopathy; CONGENITAL MYOPATHY 5 WITH CARDIOMYOPATHY. Identifiers: Orphanet 289377, MedGen C2673677, MONDO:0012714, OMIM 611705. Disease mechanism: loss of function.
Tibial muscular dystrophy (TMD). Also called: Tibial muscular dystrophy, tardive; Udd Distal Myopathy – Tibial Muscular Dystrophy; UDD MYOPATHY. Identifiers: Orphanet 609, MedGen C1838244, MONDO:0010870, OMIM 600334.
Myopathy, myofibrillar, 9, with early respiratory failure (MFM9). Also called: Hereditary myopathy with early respiratory failure; Myopathy, distal, with early respiratory failure, autosomal dominant; EDSTROM MYOPATHY; MYOPATHY, PROXIMAL, WITH EARLY RESPIRATORY MUSCLE INVOLVEMENT. Identifiers: Orphanet 178464, Orphanet 34521, MedGen C1863599, MONDO:0011362, OMIM 603689.

Allele frequency attached by ClinVar (database versions not stated): ExAC 0.00009; gnomAD exomes 0.00010; TOPMed 0.00010; gnomAD 0.00013 and 0.00014; ESP Exome Variant Server 0.00026.
gnomAD v4.1: 314 of 1,607,048 alleles (0.02%); highest among the groups gnomAD compares: Non-Finnish European, 0.025%; no homozygotes.

Submissions (10):

Labcorp Genetics (formerly Invitae), Labcorp
Classification: Likely benign for Dilated cardiomyopathy 1G; Autosomal recessive limb-girdle muscular dystrophy type 2J. Last evaluated: 2026-01-13. Review status: criteria provided, single submitter. Criteria: Invitae Variant Classification Sherloc (09022015). Collection method: clinical testing. Allele origin: germline.

Women's Health and Genetics/Laboratory Corporation of America, LabCorp
Classification: Likely benign. Last evaluated: 2025-02-22. Review status: criteria provided, single submitter. Criteria: LabCorp Variant Classification Summary - May 2015. Collection method: clinical testing. Allele origin: germline.

Blueprint Genetics
Classification: Likely benign. Last evaluated: 2024-10-31. Review status: criteria provided, single submitter. Criteria: ACMG Guidelines, 2015. Collection method: clinical testing. Allele origin: germline.

Illumina Laboratory Services, Illumina
Classification: Uncertain significance for Early-onset myopathy with fatal cardiomyopathy. Last evaluated: 2018-01-13. Review status: criteria provided, single submitter. Criteria: ICSL Variant Classification Criteria 13 December 2019. Collection method: clinical testing. Allele origin: germline.

Illumina Laboratory Services, Illumina
Classification: Benign for Tibial muscular dystrophy. Last evaluated: 2018-01-13. Review status: criteria provided, single submitter. Criteria: ICSL Variant Classification Criteria 13 December 2019. Collection method: clinical testing. Allele origin: germline.
Comment: This variant was observed in the ICSL laboratory as part of a predisposition screen in an ostensibly healthy population. It had not been previously curated by ICSL or reported in the Human Gene Mutation Database (HGMD: prior to June 1st, 2018), and was therefore a candidate for classification through an automated scoring system. Utilizing variant allele frequency, disease prevalence and penetrance estimates, and inheritance mode, an automated score was calculated to assess if this variant is too frequent to cause the disease. Based on the score and internal cut-off values, a variant classified as benign is not then subjected to further curation. The score for this variant resulted in a classification of benign for this disease.

Illumina Laboratory Services, Illumina
Classification: Likely benign for Myopathy, myofibrillar, 9, with early respiratory failure. Last evaluated: 2018-01-13. Review status: criteria provided, single submitter. Criteria: ICSL Variant Classification Criteria 13 December 2019. Collection method: clinical testing. Allele origin: germline.
Comment: This variant was observed in the ICSL laboratory as part of a predisposition screen in an ostensibly healthy population. It had not been previously curated by ICSL or reported in the Human Gene Mutation Database (HGMD: prior to June 1st, 2018), and was therefore a candidate for classification through an automated scoring system. Utilizing variant allele frequency, disease prevalence and penetrance estimates, and inheritance mode, an automated score was calculated to assess if this variant is too frequent to cause the disease. Based on the score and internal cut-off values, a variant classified as likely benign is not then subjected to further curation. The score for this variant resulted in a classification of likely benign for this disease.

Illumina Laboratory Services, Illumina
Classification: Uncertain significance for Autosomal recessive limb-girdle muscular dystrophy type 2J. Last evaluated: 2018-01-13. Review status: criteria provided, single submitter. Criteria: ICSL Variant Classification Criteria 13 December 2019. Collection method: clinical testing. Allele origin: germline.

Illumina Laboratory Services, Illumina
Classification: Uncertain significance for Dilated cardiomyopathy 1G. Last evaluated: 2018-01-13. Review status: criteria provided, single submitter. Criteria: ICSL Variant Classification Criteria 13 December 2019. Collection method: clinical testing. Allele origin: germline.

GeneDx
Classification: Likely benign. Last evaluated: 2017-12-28. Review status: criteria provided, single submitter. Criteria: GeneDx Variant Classification (06012015). Collection method: clinical testing. Allele origin: germline. Affected: yes.
Comment: This variant is considered likely benign or benign based on one or more of the following criteria: it is a conservative change, it occurs at a poorly conserved position in the protein, it is predicted to be benign by multiple in silico algorithms, and/or has population frequency not consistent with disease.

Laboratory for Molecular Medicine, Mass General Brigham Personalized Medicine
Classification: Likely benign. Last evaluated: 2015-02-18. Review status: criteria provided, single submitter. Criteria: LMM Criteria. Collection method: clinical testing. Allele origin: germline. Observed: 1 variant allele.
Comment: c.41944+13T>A in intron 213 of TTN: This variant is not expected to have clinica l significance because it is not located within the splice consensus sequence. I t has been identified in 11/64846 European chromosomes by the Exome Aggregation Consortium (ExAC; dbSNP rs368996176).

NM_001267550.2(TTN):c.49648+13T>A

Genes: TTN-AS1 (TTN antisense RNA 1; plus strand), TTN (titin; minus strand). Cytogenetic location: 2q31.2.
Variant type: single nucleotide variant.
Coding change: c.49648+13T>A on transcript NM_001267550.2 (MANE Select); 13 bases into the intron after coding-DNA position 49648, T replaced by A.
Molecular consequence: intron variant.
Genome position (GRCh38, 1-based): chr2:178,613,148, A>T on the plus strand (T>A on the coding strand, the complement: TTN is on the minus strand). VCF-style: chr2-178613148-A-T. GRCh37 (hg19) VCF-style: chr2-179477875-A-T.
Other names: c.22453+13T>A (NM_003319.4); c.23029+13T>A (NM_133437.4); c.22828+13T>A (NM_133432.3); c.41944+13T>A (NM_133378.4); c.44725+13T>A (NM_001256850.1).
Identifiers: ClinVar variation 228102 (VCV000228102.18), dbSNP rs368996176, ClinGen allele CA1994555.